The following is an entry in ClinVar:

ClinVar aggregate classification (germline): Uncertain significance. Review status: criteria provided, multiple submitters, no conflicts (2 of 4 stars). 2 submissions from 2 submitters: Uncertain significance (2). Last evaluated 2024-04-30.

Conditions:
Hereditary cancer-predisposing syndrome. Also called: Tumor predisposition; Neoplastic Syndromes, Hereditary; Hereditary neoplastic syndrome; Hereditary Cancer Syndrome. Identifiers: Orphanet 140162, MedGen C0027672, MeSH D009386, MONDO:0015356.

Allele frequency attached by ClinVar (database versions not stated): gnomAD exomes below 0.00001; ExAC 0.00001.

Submissions (2):

Ambry Genetics
Classification: Uncertain significance for Hereditary cancer-predisposing syndrome. Last evaluated: 2024-04-30. Review status: criteria provided, single submitter. Criteria: Ambry Variant Classification Scheme 2023. Collection method: clinical testing. Allele origin: germline.
Comment: The p.M66R variant (also known as c.197T>G), located in coding exon 2 of the POLE gene, results from a T to G substitution at nucleotide position 197. The methionine at codon 66 is replaced by arginine, an amino acid with similar properties. This amino acid position is conserved. In addition, the in silico prediction for this alteration is inconclusive. Since supporting evidence is limited at this time, the clinical significance of this alteration remains unclear.

Labcorp Genetics (formerly Invitae), Labcorp
Classification: Uncertain significance. Last evaluated: 2023-05-28. Review status: criteria provided, single submitter. Criteria: Invitae Variant Classification Sherloc (09022015). Collection method: clinical testing. Allele origin: germline.
Comment: This variant has not been reported in the literature in individuals affected with POLE-related conditions. ClinVar contains an entry for this variant (Variation ID: 1016954). Advanced modeling of protein sequence and biophysical properties (such as structural, functional, and spatial information, amino acid conservation, physicochemical variation, residue mobility, and thermodynamic stability) performed at Invitae indicates that this missense variant is expected to disrupt POLE protein function. This sequence change replaces methionine, which is neutral and non-polar, with arginine, which is basic and polar, at codon 66 of the POLE protein (p.Met66Arg). This variant is present in population databases (rs779354213, gnomAD 0.0009%). In summary, the available evidence is currently insufficient to determine the role of this variant in disease. Therefore, it has been classified as a Variant of Uncertain Significance.

NM_006231.4(POLE):c.197T>G (p.Met66Arg)

Gene: POLE (DNA polymerase epsilon, catalytic subunit; minus strand). Cytogenetic location: 12q24.33.
Variant type: single nucleotide variant.
Coding change: c.197T>G on transcript NM_006231.4 (MANE Select); coding-DNA position 197, T replaced by G.
Protein change: p.Met66Arg; replaces methionine 66 with arginine.
Molecular consequence: missense variant.
Genome position (GRCh38, 1-based): chr12:132,681,145, A>C on the plus strand (T>G on the coding strand, the complement: POLE is on the minus strand). VCF-style: chr12-132681145-A-C. GRCh37 (hg19) VCF-style: chr12-133257731-A-C.
Other names: short protein forms M66R.
Identifiers: ClinVar variation 1016954 (VCV001016954.12), dbSNP rs779354213, ClinGen allele CA6894424.